The following is an entry in ClinVar:

NM_001042492.3(NF1):c.3466A>C (p.Asn1156His)

Gene: NF1 (neurofibromin 1; plus strand). Cytogenetic location: 17q11.2.
Variant type: single nucleotide variant.
Coding change: c.3466A>C on transcript NM_001042492.3 (MANE Select); coding-DNA position 3466, A replaced by C.
Protein change: p.Asn1156His; replaces asparagine 1156 with histidine.
Molecular consequence: missense variant.
Genome position (GRCh38, 1-based): chr17:31,232,851, A>C. VCF-style: chr17-31232851-A-C. GRCh37 (hg19) VCF-style: chr17-29559869-A-C.
Other names: c.3466A>C, p.Asn1156His (NM_000267.4); short protein forms N1156H.
Identifiers: ClinVar variation 2704106 (VCV002704106.3), dbSNP rs2067138110, ClinGen allele CA398989379.
Genomic context (GRCh38, chr17:31,232,851, plus strand): 5'-CGGAGGCTGGCATCACTGAGGCACTGTACGGTCCTTGCAATGTCAAACTTACTCAATGCC[A>C]ACGTAGACAGTGGTCTCATGCACTCCATAGGTGAGATCAAATGAAAGTTTCATATAGAAA-3'
Protein context (NP_001035957.1, residues 1146-1166): VLAMSNLLNA[Asn1156His]VDSGLMHSIG

ClinVar aggregate classification (germline): Likely pathogenic (1 of 4 stars; one submission).

Conditions:
Neurofibromatosis, type 1 (NF1). Also called: Peripheral type neurofibromatosis; VON RECKLINGHAUSEN DISEASE; NEUROFIBROMATOSIS, TYPE I, SOMATIC; Neurofibromatosis, type I. Identifiers: Orphanet 636, MedGen C0027831, MONDO:0018975, OMIM 162200. Disease mechanism: loss of function.

Submission:

Labcorp Genetics (formerly Invitae), Labcorp
Classification: Likely pathogenic for Neurofibromatosis, type 1. Last evaluated: 2025-12-01. Review status: criteria provided, single submitter. Criteria: Invitae Variant Classification Sherloc (09022015). Collection method: clinical testing. Allele origin: germline.
Comment: This sequence change replaces asparagine, which is neutral and polar, with histidine, which is basic and polar, at codon 1156 of the NF1 protein (p.Asn1156His). This variant is not present in population databases (gnomAD no frequency). This missense change has been observed in individual(s) with clinical features of neurofibromatosis-Noonan syndrome (internal data). ClinVar contains an entry for this variant (Variation ID: 2704106). Invitae Evidence Modeling of protein sequence and biophysical properties (such as structural, functional, and spatial information, amino acid conservation, physicochemical variation, residue mobility, and thermodynamic stability) indicates that this missense variant is expected to disrupt NF1 protein function with a positive predictive value of 95%. This variant disrupts the p.Asn1156 amino acid residue in NF1. Other variant(s) that disrupt this residue have been determined to be pathogenic (PMID: 10712197, 24789688; internal data). This suggests that this residue is clinically significant, and that variants that disrupt this residue are likely to be disease-causing. In summary, the currently available evidence indicates that the variant is pathogenic, but additional data are needed to prove that conclusively. Therefore, this variant has been classified as Likely Pathogenic.

Literature cited by the submitters: PubMed 10712197; PubMed 24789688.